The following is an entry in ClinVar:

NM_003193.5(TBCE):c.100+6C>T

Gene: TBCE (tubulin folding cofactor E; plus strand). Cytogenetic location: 1q42.3.
Variant type: single nucleotide variant.
Coding change: c.100+6C>T on transcript NM_003193.5 (MANE Select); 6 bases into the intron after coding-DNA position 100, C replaced by T.
Molecular consequence: intron variant.
Genome position (GRCh38, 1-based): chr1:235,380,155, C>T. VCF-style: chr1-235380155-C-T. GRCh37 (hg19) VCF-style: chr1-235543470-C-T.
Other names: c.100+6C>T (NM_001079515.3, NM_001287801.2, NM_001287801.1); c.-211+6C>T (NM_001287802.2).
Identifiers: ClinVar variation 595734 (VCV000595734.11), dbSNP rs182896657, ClinGen allele CA1463888.

ClinVar aggregate classification (germline): Conflicting classifications of pathogenicity. Review status: criteria provided, conflicting classifications (1 of 4 stars). 4 submissions from 4 submitters: Uncertain significance (2); Likely benign (1). 1 of the submissions does not count toward it. Last evaluated 2024-12-16.

Conditions:
TBCE-related disorder. Also called: TBCE-related disorders; TBCE-related condition.

Allele frequency attached by ClinVar (database versions not stated): gnomAD exomes 0.00006 and 0.00014; ExAC 0.00019; ESP Exome Variant Server 0.00046; TOPMed 0.00059; gnomAD 0.00063; 1000 Genomes Project 0.00100; 1000 Genomes Project 30x 0.00141.

Submissions (4):

Labcorp Genetics (formerly Invitae), Labcorp
Classification: Uncertain significance. Last evaluated: 2024-12-16. Review status: criteria provided, single submitter. Criteria: Invitae Variant Classification Sherloc (09022015). Collection method: clinical testing. Allele origin: germline.
Comment: This sequence change falls in intron 2 of the TBCE gene. It does not directly change the encoded amino acid sequence of the TBCE protein. It affects a nucleotide within the consensus splice site. This variant is present in population databases (rs182896657, gnomAD 0.2%). This variant has not been reported in the literature in individuals affected with TBCE-related conditions. ClinVar contains an entry for this variant (Variation ID: 595734). Variants that disrupt the consensus splice site are a relatively common cause of aberrant splicing (PMID: 17576681, 9536098). Algorithms developed to predict the effect of sequence changes on RNA splicing suggest that this variant is not likely to affect RNA splicing. In summary, the available evidence is currently insufficient to determine the role of this variant in disease. Therefore, it has been classified as a Variant of Uncertain Significance.

Blueprint Genetics
Classification: Likely benign. Last evaluated: 2024-06-19. Review status: criteria provided, single submitter. Criteria: ACMG Guidelines, 2015. Collection method: clinical testing. Allele origin: germline.

Eurofins Ntd Llc (ga)
Classification: Uncertain significance. Last evaluated: 2018-01-26. Review status: criteria provided, single submitter. Criteria: EGL Classification Definitions 2015. Collection method: clinical testing. Allele origin: germline. Observed: 1 variant allele, 1 heterozygote.

PreventionGenetics, part of Exact Sciences
Classification: Likely benign for TBCE-related condition. Last evaluated: 2019-06-12. Review status: no assertion criteria provided. Collection method: clinical testing. Allele origin: germline. Not counted in ClinVar's aggregate classification.
Comment: This variant is classified as likely benign based on ACMG/AMP sequence variant interpretation guidelines (Richards et al. 2015 PMID: 25741868, with internal and published modifications).

Literature cited by the submitters: PubMed 17576681 (cited by Labcorp Genetics (formerly Invitae), Labcorp); PubMed 9536098 (cited by Labcorp Genetics (formerly Invitae), Labcorp).